The following is an entry in ClinVar:

ClinVar aggregate classification (germline): Uncertain significance (1 of 4 stars; one submission).

Submission:

GeneDx
Classification: Uncertain significance. Last evaluated: 2022-05-31. Review status: criteria provided, single submitter. Criteria: GeneDx Variant Classification Process June 2021. Collection method: clinical testing. Allele origin: germline. Affected: yes.
Comment: Not observed at significant frequency in large population cohorts (gnomAD); In silico analysis supports that this missense variant has a deleterious effect on protein structure/function; Has not been previously published as pathogenic or benign to our knowledge

NM_001110556.2(FLNA):c.7262G>A (p.Gly2421Glu)

Gene: FLNA (filamin A; minus strand). Cytogenetic location: Xq28.
Variant type: single nucleotide variant.
Coding change: c.7262G>A on transcript NM_001110556.2 (MANE Select); coding-DNA position 7262, G replaced by A.
Protein change: p.Gly2421Glu; replaces glycine 2421 with glutamic acid.
Molecular consequence: missense variant.
Genome position (GRCh38, 1-based): chrX:154,350,102, C>T on the plus strand (G>A on the coding strand, the complement: FLNA is on the minus strand). VCF-style: chrX-154350102-C-T. GRCh37 (hg19) VCF-style: chrX-153578470-C-T.
Other names: c.7238G>A, p.Gly2413Glu (NM_001456.4); short protein forms G2413E, G2421E.
Identifiers: ClinVar variation 1801932 (VCV001801932.1), dbSNP rs2522714875, ClinGen allele CA415183891.